The following is an entry in ClinVar:

ClinVar aggregate classification (germline): Uncertain significance (1 of 4 stars; one submission).

Conditions:
Saethre-Chotzen syndrome (SCS). Also called: ACROCEPHALY, SKULL ASYMMETRY, AND MILD SYNDACTYLY; ACS III; CHOTZEN SYNDROME. Identifiers: Orphanet 794, MedGen C0175699, MONDO:0007042, OMIM 101400.
TWIST1-related craniosynostosis (CRS1). Also called: CRANIOSYNOSTOSIS 1. Identifiers: Orphanet 63440, MedGen C4551902, MONDO:0007399, OMIM 123100. Inheritance: Heterogenous inheritance pattern.

Submission:

Labcorp Genetics (formerly Invitae), Labcorp
Classification: Uncertain significance for TWIST1-related craniosynostosis; Saethre-Chotzen syndrome. Last evaluated: 2025-07-05. Review status: criteria provided, single submitter. Criteria: Invitae Variant Classification Sherloc (09022015). Collection method: clinical testing. Allele origin: germline.
Comment: This sequence change replaces arginine, which is basic and polar, with serine, which is neutral and polar, at codon 44 of the TWIST1 protein (p.Arg44Ser). This variant is not present in population databases (gnomAD no frequency). This variant has not been reported in the literature in individuals affected with TWIST1-related conditions. Experimental studies and prediction algorithms are not available or were not evaluated, and the functional significance of this variant is currently unknown. In summary, the available evidence is currently insufficient to determine the role of this variant in disease. Therefore, it has been classified as a Variant of Uncertain Significance.

NM_000474.4(TWIST1):c.130C>A (p.Arg44Ser)

Gene: TWIST1 (twist family bHLH transcription factor 1; minus strand). Cytogenetic location: 7p21.1.
Variant type: single nucleotide variant.
Coding change: c.130C>A on transcript NM_000474.4 (MANE Select); coding-DNA position 130, C replaced by A.
Protein change: p.Arg44Ser; replaces arginine 44 with serine.
Molecular consequence: missense variant. On other transcripts: non-coding transcript variant (1).
Genome position (GRCh38, 1-based): chr7:19,117,192, G>T on the plus strand (C>A on the coding strand, the complement: TWIST1 is on the minus strand). VCF-style: chr7-19117192-G-T. GRCh37 (hg19) VCF-style: chr7-19156815-G-T.
Other names: short protein forms R44S.
Identifiers: ClinVar variation 4789547 (VCV004789547.1).